The following is an entry in ClinVar:

ClinVar aggregate classification (germline): Pathogenic. Review status: criteria provided, multiple submitters, no conflicts (2 of 4 stars). 3 submissions from 3 submitters: Pathogenic (3). Last evaluated 2023-12-28.

Conditions:
Duchenne muscular dystrophy (DMD). Also called: Duchenne Muscular Dystrophy (DMD); MUSCULAR DYSTROPHY, PSEUDOHYPERTROPHIC PROGRESSIVE, DUCHENNE TYPE. Identifiers: Orphanet 98896, MedGen C0013264, MONDO:0010679, OMIM 310200.
Abnormality of the musculature. Identifiers: MedGen C4021745, HP:0003011.

Submissions (4):

Labcorp Genetics (formerly Invitae), Labcorp
Classification: Pathogenic for Duchenne muscular dystrophy. Last evaluated: 2023-12-28. Review status: criteria provided, single submitter. Criteria: Invitae Variant Classification Sherloc (09022015). Collection method: clinical testing. Allele origin: germline.
Comment: This sequence change affects a donor splice site in intron 2 of the DMD gene. It is expected to disrupt RNA splicing. Variants that disrupt the donor or acceptor splice site typically lead to a loss of protein function (PMID: 16199547), and loss-of-function variants in DMD are known to be pathogenic (PMID: 16770791, 25007885). This variant is not present in population databases (gnomAD no frequency). Disruption of this splice site has been observed in individuals with Duchenne or Becker muscular dystrophy (PMID: 19937601, 27234031). ClinVar contains an entry for this variant (Variation ID: 283346). Algorithms developed to predict the effect of sequence changes on RNA splicing suggest that this variant may disrupt the consensus splice site. For these reasons, this variant has been classified as Pathogenic.

Kariminejad - Najmabadi Pathology & Genetics Center
Classification: Pathogenic for Abnormality of the musculature. Last evaluated: 2021-07-10. Review status: criteria provided, single submitter. Criteria: ACMG Guidelines, 2015. Collection method: clinical testing. Allele origin: germline. Affected: yes.

Eurofins Ntd Llc (ga)
Classification: Pathogenic. Last evaluated: 2015-09-10. Review status: criteria provided, single submitter. Criteria: EGL Classification Definitions 2015. Collection method: clinical testing. Allele origin: germline. Observed: 1 variant allele, 1 hemizygote.

Dr. Peter K. Rogan Lab, Western University
No classification provided (evidence only). Condition: Nonpapillary renal cell carcinoma. Review status: no classification provided. Collection method: in vitro. Allele origin: not applicable. Functional consequence: retained intron. Not counted in ClinVar's aggregate classification.

Literature cited by the submitters: PubMed 16199547 (cited by Labcorp Genetics (formerly Invitae), Labcorp); PubMed 16770791 (cited by Labcorp Genetics (formerly Invitae), Labcorp); PubMed 25007885 (cited by Labcorp Genetics (formerly Invitae), Labcorp); PubMed 19937601 (cited by Labcorp Genetics (formerly Invitae), Labcorp); PubMed 27234031 (cited by Labcorp Genetics (formerly Invitae), Labcorp).

NM_004006.3(DMD):c.93+1G>A

Gene: DMD (dystrophin; minus strand). Cytogenetic location: Xp21.1.
Variant type: single nucleotide variant.
Coding change: c.93+1G>A on transcript NM_004006.3 (MANE Select); the canonical splice donor site of the intron after coding-DNA position 93, G replaced by A.
Molecular consequence: splice donor variant.
Genome position (GRCh38, 1-based): chrX:33,020,138, C>T on the plus strand (G>A on the coding strand, the complement: DMD is on the minus strand). VCF-style: chrX-33020138-C-T. GRCh37 (hg19) VCF-style: chrX-33038255-C-T.
Other names: c.69+1G>A (NM_000109.4); c.81+1G>A (NM_004009.3); c.-277+1G>A (NM_004010.3).
Identifiers: ClinVar variation 283346 (VCV000283346.35), dbSNP rs886042604, ClinGen allele CA10604467.